The following is an entry in ClinVar:

ClinVar aggregate classification (germline): Uncertain significance (1 of 4 stars; one submission).

Submission:

CeGaT Center for Human Genetics Tuebingen
Classification: Uncertain significance. Last evaluated: 2024-05-01. Review status: criteria provided, single submitter. Criteria: CeGaT Center For Human Genetics Tuebingen Variant Classification Criteria Version 2. Collection method: clinical testing. Allele origin: germline. Affected: yes. Observed: 2 variant alleles.
Comment: SERPINA3: PM2:Supporting, BP4

NM_001085.5(SERPINA3):c.1181G>A (p.Arg394His)

Gene: SERPINA3 (serpin family A member 3; plus strand). Cytogenetic location: 14q32.13.
Variant type: single nucleotide variant.
Coding change: c.1181G>A on transcript NM_001085.5 (MANE Select); coding-DNA position 1181, G replaced by A.
Protein change: p.Arg394His; replaces arginine 394 with histidine.
Molecular consequence: missense variant.
Genome position (GRCh38, 1-based): chr14:94,623,723, G>A. VCF-style: chr14-94623723-G-A. GRCh37 (hg19) VCF-style: chr14-95090060-G-A.
Other names: c.1181G>A, p.Arg394His (NM_001384672.1, NM_001384673.1, NM_001384674.1); short protein forms R394H.
Identifiers: ClinVar variation 2644485 (VCV002644485.24), dbSNP rs377262300, ClinGen allele CA7330045.